The following is an entry in ClinVar:

NM_002693.3(POLG):c.2075A>C (p.Glu692Ala)

Gene: POLG (DNA polymerase gamma, catalytic subunit; minus strand). Cytogenetic location: 15q26.1.
Variant type: single nucleotide variant.
Coding change: c.2075A>C on transcript NM_002693.3 (MANE Select); coding-DNA position 2075, A replaced by C.
Protein change: p.Glu692Ala; replaces glutamic acid 692 with alanine.
Molecular consequence: missense variant.
Genome position (GRCh38, 1-based): chr15:89,323,897, T>G on the plus strand (A>C on the coding strand, the complement: POLG is on the minus strand). VCF-style: chr15-89323897-T-G. GRCh37 (hg19) VCF-style: chr15-89867128-T-G.
Other names: c.2075A>C, p.Glu692Ala (NM_001126131.2); short protein forms E692A.
Identifiers: ClinVar variation 2867509 (VCV002867509.3), dbSNP rs2509232478, ClinGen allele CA393757330.

ClinVar aggregate classification (germline): Uncertain significance (1 of 4 stars; one submission).

Conditions:
Progressive sclerosing poliodystrophy (MTDPS4A). Also called: Mitochondrial DNA depletion syndrome 4A (Alpers type); ALPERS PROGRESSIVE INFANTILE POLIODYSTROPHY; NEURONAL DEGENERATION OF CHILDHOOD WITH LIVER DISEASE, PROGRESSIVE; Alpers Syndrome; ALPERS DIFFUSE DEGENERATION OF CEREBRAL GRAY MATTER WITH HEPATIC CIRRHOSIS; Alpers-Huttenlocher Syndrome. Identifiers: Orphanet 726, MedGen C0205710, MONDO:0008758, OMIM 203700.

Submission:

Labcorp Genetics (formerly Invitae), Labcorp
Classification: Uncertain significance for Progressive sclerosing poliodystrophy. Last evaluated: 2023-01-12. Review status: criteria provided, single submitter. Criteria: Invitae Variant Classification Sherloc (09022015). Collection method: clinical testing. Allele origin: germline.
Comment: In summary, the available evidence is currently insufficient to determine the role of this variant in disease. Therefore, it has been classified as a Variant of Uncertain Significance. Advanced modeling of protein sequence and biophysical properties (such as structural, functional, and spatial information, amino acid conservation, physicochemical variation, residue mobility, and thermodynamic stability) performed at Invitae indicates that this missense variant is expected to disrupt POLG protein function. This variant has not been reported in the literature in individuals affected with POLG-related conditions. This variant is not present in population databases (gnomAD no frequency). This sequence change replaces glutamic acid, which is acidic and polar, with alanine, which is neutral and non-polar, at codon 692 of the POLG protein (p.Glu692Ala).